The following is an entry in ClinVar:

ClinVar aggregate classification (germline): Uncertain significance. Review status: criteria provided, multiple submitters, no conflicts (2 of 4 stars). 5 submissions from 5 submitters: Uncertain significance (5). Last evaluated 2024-05-14.

Conditions:
Hereditary cancer-predisposing syndrome. Also called: Hereditary neoplastic syndrome; Tumor predisposition; Neoplastic Syndromes, Hereditary; Hereditary Cancer Syndrome. Identifiers: Orphanet 140162, MedGen C0027672, MeSH D009386, MONDO:0015356.
Familial cancer of breast. Also called: Hereditary breast cancer; hereditary breast carcinoma; BREAST CANCER, FAMILIAL. Identifiers: Orphanet 227535, MedGen C0346153, MONDO:0016419, OMIM 114480. Disease mechanism: loss of function.

Allele frequency attached by ClinVar (database versions not stated): gnomAD exomes below 0.00001; ExAC 0.00001.
gnomAD v4.1: 1 of 1,614,228 alleles (0.000062%); highest among the groups gnomAD compares: Non-Finnish European, 0.000085%; no homozygotes.

Submissions (5):

Labcorp Genetics (formerly Invitae), Labcorp
Classification: Uncertain significance for Familial cancer of breast. Last evaluated: 2024-05-14. Review status: criteria provided, single submitter. Criteria: Invitae Variant Classification Sherloc (09022015). Collection method: clinical testing. Allele origin: germline.
Comment: This sequence change replaces phenylalanine, which is neutral and non-polar, with cysteine, which is neutral and slightly polar, at codon 732 of the BARD1 protein (p.Phe732Cys). This variant is present in population databases (rs760201905, gnomAD 0.0009%). This variant has not been reported in the literature in individuals affected with BARD1-related conditions. ClinVar contains an entry for this variant (Variation ID: 481411). An algorithm developed to predict the effect of missense changes on protein structure and function (PolyPhen-2) suggests that this variant is likely to be tolerated. In summary, the available evidence is currently insufficient to determine the role of this variant in disease. Therefore, it has been classified as a Variant of Uncertain Significance.

Color Diagnostics, LLC DBA Color Health
Classification: Uncertain significance for Hereditary cancer-predisposing syndrome. Last evaluated: 2024-03-06. Review status: criteria provided, single submitter. Criteria: ACMG Guidelines, 2015. Collection method: clinical testing. Allele origin: germline.
Comment: This missense variant replaces phenylalanine with cysteine at codon 732 of the BARD1 protein. Computational prediction tool suggests that this variant may not impact protein structure and function (internally defined REVEL score threshold <=0.5, PMID: 27666373). Splice site prediction tools suggest that this variant may not impact RNA splicing. To our knowledge, functional studies have not been performed for this variant. This variant has not been reported in individuals affected with hereditary cancer in the literature. This variant has been identified in 1/251348 chromosomes in the general population by the Genome Aggregation Database (gnomAD). The available evidence is insufficient to determine the role of this variant in disease conclusively. Therefore, this variant is classified as a Variant of Uncertain Significance.

CeGaT Center for Human Genetics Tuebingen
Classification: Uncertain significance. Last evaluated: 2022-01-01. Review status: criteria provided, single submitter. Criteria: CeGaT Center For Human Genetics Tuebingen Variant Classification Criteria Version 2. Collection method: clinical testing. Allele origin: germline. Affected: yes. Observed: 1 variant allele.

MGZ Medical Genetics Center
Classification: Uncertain significance for Familial cancer of breast. Last evaluated: 2021-08-24. Review status: criteria provided, single submitter. Criteria: ACMG Guidelines, 2015. Collection method: clinical testing. Allele origin: germline. Affected: yes. Observed: 1 variant allele.
Comment: ACMG criteria applied: PM2_SUP

Ambry Genetics
Classification: Uncertain significance for Hereditary cancer-predisposing syndrome. Last evaluated: 2020-06-17. Review status: criteria provided, single submitter. Criteria: Ambry Variant Classification Scheme 2023. Collection method: clinical testing. Allele origin: germline.
Comment: The p.F732C variant (also known as c.2195T>G), located in coding exon 11 of the BARD1 gene, results from a T to G substitution at nucleotide position 2195. The phenylalanine at codon 732 is replaced by cysteine, an amino acid with highly dissimilar properties. This amino acid position is not well conserved in available vertebrate species. In addition, the in silico prediction for this alteration is inconclusive. Since supporting evidence is limited at this time, the clinical significance of this alteration remains unclear.

NM_000465.4(BARD1):c.2195T>G (p.Phe732Cys)

Gene: BARD1 (BRCA1 associated RING domain 1; minus strand). Cytogenetic location: 2q35.
Variant type: single nucleotide variant.
Coding change: c.2195T>G on transcript NM_000465.4 (MANE Select); coding-DNA position 2195, T replaced by G.
Protein change: p.Phe732Cys; replaces phenylalanine 732 with cysteine.
Molecular consequence: missense variant. On other transcripts: non-coding transcript variant (3).
Genome position (GRCh38, 1-based): chr2:214,728,815, A>C on the plus strand (T>G on the coding strand, the complement: BARD1 is on the minus strand). VCF-style: chr2-214728815-A-C. GRCh37 (hg19) VCF-style: chr2-215593539-A-C.
Other names: c.2138T>G, p.Phe713Cys (NM_001282543.2); c.842T>G, p.Phe281Cys (NM_001282545.2); c.785T>G, p.Phe262Cys (NM_001282548.2); c.656T>G, p.Phe219Cys (NM_001282549.2); short protein forms F732C, F281C, F219C, F262C, F713C.
Identifiers: ClinVar variation 481411 (VCV000481411.47), dbSNP rs760201905, ClinGen allele CA2090064.